The following is an entry in ClinVar:

ClinVar aggregate classification (germline): Benign/Likely benign. Review status: criteria provided, multiple submitters, no conflicts (2 of 4 stars). 7 submissions from 7 submitters: Benign (2); Likely benign (3). 2 of the submissions do not count toward it. Last evaluated 2026-01-19.

Conditions:
Fanconi anemia (FA). Also called: Fanconi's anemia. Identifiers: Orphanet 84, MedGen C0015625, MeSH D005199, MONDO:0019391.
Fanconi anemia complementation group A (FANCA). Also called: Fanconi anemia, group A; FANCA-Related Fanconi Anemia. Identifiers: Orphanet 84, MedGen C3469521, MONDO:0009215, OMIM 227650.
FANCA-related disorder. Also called: FANCA-related condition.

Allele frequency attached by ClinVar (database versions not stated): gnomAD 0.00011 and 0.00019; TOPMed 0.00015; gnomAD exomes 0.00024 and 0.00051; 1000 Genomes Project 30x 0.00031; 1000 Genomes Project 0.00040; ExAC 0.00125.
gnomAD v4.1: 382 of 1,579,760 alleles (0.024%); highest among the groups gnomAD compares: South Asian, 0.32%; 3 homozygotes.

Submissions (7):

Labcorp Genetics (formerly Invitae), Labcorp
Classification: Benign for Fanconi anemia. Last evaluated: 2026-01-19. Review status: criteria provided, single submitter. Criteria: Invitae Variant Classification Sherloc (09022015). Collection method: clinical testing. Allele origin: germline.

Quest Diagnostics Nichols Institute San Juan Capistrano
Classification: Likely benign. Last evaluated: 2023-03-16. Review status: criteria provided, single submitter. Criteria: Quest Diagnostics criteria. Collection method: clinical testing. Allele origin: unknown.

Sema4
Classification: Likely benign for Fanconi anemia. Last evaluated: 2022-02-09. Review status: criteria provided, single submitter. Criteria: Sema4 Curation Guidelines. Collection method: curation. Allele origin: germline.

Pars Genome Lab
Classification: Benign for Fanconi anemia complementation group A. Last evaluated: 2021-05-18. Review status: criteria provided, single submitter. Criteria: ACMG Guidelines, 2015. Collection method: clinical testing. Allele origin: germline. Affected: no.

Illumina Laboratory Services, Illumina
Classification: Likely benign for Fanconi anemia complementation group A. Last evaluated: 2018-01-12. Review status: criteria provided, single submitter. Criteria: ICSL Variant Classification Criteria 13 December 2019. Collection method: clinical testing. Allele origin: germline.
Comment: This variant was observed in the ICSL laboratory as part of a predisposition screen in an ostensibly healthy population. It had not been previously curated by ICSL or reported in the Human Gene Mutation Database (HGMD: prior to June 1st, 2018), and was therefore a candidate for classification through an automated scoring system. Utilizing variant allele frequency, disease prevalence and penetrance estimates, and inheritance mode, an automated score was calculated to assess if this variant is too frequent to cause the disease. Based on the score and internal cut-off values, a variant classified as likely benign is not then subjected to further curation. The score for this variant resulted in a classification of likely benign for this disease.

PreventionGenetics, part of Exact Sciences
Classification: Likely benign for FANCA-related condition. Last evaluated: 2022-05-26. Review status: no assertion criteria provided. Collection method: clinical testing. Allele origin: germline. Not counted in ClinVar's aggregate classification.
Comment: This variant is classified as likely benign based on ACMG/AMP sequence variant interpretation guidelines (Richards et al. 2015 PMID: 25741868, with internal and published modifications).

Natera, Inc.
Classification: Benign for Fanconi anemia, group A. Last evaluated: 2020-05-08. Review status: no assertion criteria provided. Collection method: clinical testing. Allele origin: germline. Not counted in ClinVar's aggregate classification.

Literature cited by the submitters: PubMed 32546565 (cited by Quest Diagnostics Nichols Institute San Juan Capistrano).

NM_000135.4(FANCA):c.2236G>T (p.Ala746Ser)

Gene: FANCA (FA complementation group A; minus strand). Cytogenetic location: 16q24.3.
Variant type: single nucleotide variant.
Coding change: c.2236G>T on transcript NM_000135.4 (MANE Select); coding-DNA position 2236, G replaced by T.
Protein change: p.Ala746Ser; replaces alanine 746 with serine.
Molecular consequence: missense variant.
Genome position (GRCh38, 1-based): chr16:89,770,246, C>A on the plus strand (G>T on the coding strand, the complement: FANCA is on the minus strand). VCF-style: chr16-89770246-C-A. GRCh37 (hg19) VCF-style: chr16-89836654-C-A.
Other names: c.2236G>T (LRG_495t1, NM_000135.3); c.2236G>T, p.Ala746Ser (NM_001286167.3); short protein forms A746S.
Identifiers: ClinVar variation 321349 (VCV000321349.23), dbSNP rs575108446, ClinGen allele CA8251819.